The following is an entry in ClinVar:

ClinVar aggregate classification (germline): Pathogenic/Likely pathogenic. Review status: criteria provided, multiple submitters, no conflicts (2 of 4 stars). 7 submissions from 7 submitters: Pathogenic (5); Likely pathogenic (2). Last evaluated 2024-03-26.

Conditions:
Rare genetic deafness. Identifiers: Orphanet 96210, MedGen C5680250.
Pendred syndrome (PDS). Also called: DEAFNESS WITH GOITER; GOITER-DEAFNESS SYNDROME; HYPOTHYROIDISM, CONGENITAL, DUE TO DYSHORMONOGENESIS, 2B; THYROID DYSHORMONOGENESIS 2B; THYROID HORMONOGENESIS, GENETIC DEFECT IN, 2B; Pendred Syndrome (PDS). Identifiers: Orphanet 705, MedGen C0271829, MONDO:0010134, OMIM 274600.
Autosomal recessive nonsyndromic hearing loss 4 (DFNB4). Also called: FOXI1-Related Pendred Syndrome; KCNJ10-Related Pendred Syndrome; DEAFNESS, AUTOSOMAL RECESSIVE 4, WITH ENLARGED VESTIBULAR AQUEDUCT, DIGENIC; NEUROSENSORY NONSYNDROMIC RECESSIVE DEAFNESS 4; Nonsyndromic enlarged vestibular aqueduct (NSEVA); Deafness, autosomal recessive 4. Identifiers: Orphanet 90636, MedGen C3538946, MONDO:0010933, OMIM 600791.

gnomAD v4.1: 2 of 1,591,322 alleles (0.00013%); highest among the groups gnomAD compares: Non-Finnish European, 0.00017%; no homozygotes.

Submissions (7):

Natera, Inc.
Classification: Pathogenic for Pendred syndrome. Last evaluated: 2024-03-26. Review status: criteria provided, single submitter. Criteria: Natera Variant Classification Schema (03/2026). Collection method: clinical testing. Allele origin: germline.
Comment: The c.1614+1G>C variant in SLC26A4 is a canonical splice donor site variant predicted to affect pre-mRNA splicing, which may result in an abnormal transcript and altered protein product. This variant is expected to result in nonsense mediated decay, truncation, or a dysfunctional protein product. This variant is rare in the general population with a frequency below the threshold expected for the associated phenotype(s). This variant has been observed in one or more individuals affected with the associated recessive disease, as either homozygous or compound heterozygous with a second variant (PMID: 29048421). Another variant at this same site results in an alteration predicted to cause a similar molecular effect has been observed in individual(s) with the associated phenotype. Given the available evidence, this variant is classified as Pathogenic.

Genomic Medicine Center of Excellence, King Faisal Specialist Hospital and Research Centre
Classification: Pathogenic for Enlarged vestibular aqueduct, digenic. Last evaluated: 2024-03-14. Review status: criteria provided, single submitter. Criteria: ACMG Guidelines, 2015. Collection method: clinical testing. Allele origin: germline.

Labcorp Genetics (formerly Invitae), Labcorp
Classification: Pathogenic. Last evaluated: 2023-07-12. Review status: criteria provided, single submitter. Criteria: Invitae Variant Classification Sherloc (09022015). Collection method: clinical testing. Allele origin: germline.
Comment: For these reasons, this variant has been classified as Pathogenic. Algorithms developed to predict the effect of sequence changes on RNA splicing suggest that this variant may disrupt the consensus splice site. ClinVar contains an entry for this variant (Variation ID: 179170). Disruption of this splice site has been observed in individuals with hearing loss and Pendred syndrome (PMID: 11919333, 15355436, 20128824, 20597900, 24105851, 29048421, 32770655). This variant is not present in population databases (gnomAD no frequency). This sequence change affects a donor splice site in intron 14 of the SLC26A4 gene. It is expected to disrupt RNA splicing. Variants that disrupt the donor or acceptor splice site typically lead to a loss of protein function (PMID: 16199547), and loss-of-function variants in SLC26A4 are known to be pathogenic (PMID: 16283880, 25394566, 26252218, 26445815).

Genome-Nilou Lab
Classification: Likely pathogenic for Pendred syndrome. Last evaluated: 2021-09-05. Review status: criteria provided, single submitter. Criteria: ACMG Guidelines, 2015. Collection method: clinical testing. Allele origin: germline. Affected: no.

Revvity Omics, Revvity
Classification: Pathogenic. Last evaluated: 2021-02-03. Review status: criteria provided, single submitter. Criteria: ACMG Guidelines, 2015. Collection method: clinical testing. Allele origin: germline.

Laboratory for Molecular Medicine, Mass General Brigham Personalized Medicine
Classification: Pathogenic for Rare genetic deafness. Last evaluated: 2013-09-09. Review status: criteria provided, single submitter. Criteria: LMM Criteria. Collection method: clinical testing. Allele origin: germline. Inheritance: Autosomal recessive inheritance. Observed: 3 variant alleles.
Comment: The c.1614+1G>C variant in SLC26A4 has been reported in the compound heterozygou s state with another SLC26A4 variant in one individual with hearing loss (Chen 2 011). This variant occurs in the invariant region (+/- 1/2) of the splice conse nsus sequence and is predicted to cause altered splicing leading to an abnormal or absent protein. In summary, this variant meets our criteria to be classified as pathogenic for hearing loss in an autosomal recessive manner.

Kariminejad - Najmabadi Pathology & Genetics Center
Classification: Likely pathogenic for Pendred syndrome. Review status: criteria provided, single submitter. Criteria: ACMG Guidelines, 2015. Collection method: clinical testing. Allele origin: germline. Affected: no.

Literature cited by the submitters: PubMed 29048421 (cited by Natera, Inc. and Labcorp Genetics (formerly Invitae), Labcorp); PubMed 11919333 (cited by Labcorp Genetics (formerly Invitae), Labcorp); PubMed 15355436 (cited by Labcorp Genetics (formerly Invitae), Labcorp); PubMed 20128824 (cited by Labcorp Genetics (formerly Invitae), Labcorp); PubMed 20597900 (cited by Labcorp Genetics (formerly Invitae), Labcorp); PubMed 24105851 (cited by Labcorp Genetics (formerly Invitae), Labcorp); PubMed 32770655 (cited by Labcorp Genetics (formerly Invitae), Labcorp); PubMed 16199547 (cited by Labcorp Genetics (formerly Invitae), Labcorp); PubMed 16283880 (cited by Labcorp Genetics (formerly Invitae), Labcorp); PubMed 25394566 (cited by Labcorp Genetics (formerly Invitae), Labcorp); PubMed 26252218 (cited by Labcorp Genetics (formerly Invitae), Labcorp); PubMed 26445815 (cited by Labcorp Genetics (formerly Invitae), Labcorp); PubMed 21704276 (cited by Laboratory for Molecular Medicine, Mass General Brigham Personalized Medicine).

NM_000441.2(SLC26A4):c.1614+1G>C

Gene: SLC26A4 (solute carrier family 26 member 4; plus strand). Cytogenetic location: 7q22.3.
Variant type: single nucleotide variant.
Coding change: c.1614+1G>C on transcript NM_000441.2 (MANE Select); the canonical splice donor site of the intron after coding-DNA position 1614, G replaced by C.
Molecular consequence: splice donor variant.
Genome position (GRCh38, 1-based): chr7:107,698,112, G>C. VCF-style: chr7-107698112-G-C. GRCh37 (hg19) VCF-style: chr7-107338557-G-C.
Identifiers: ClinVar variation 179170 (VCV000179170.22), dbSNP rs111033312, ClinGen allele CA273598.